The following is an entry in ClinVar:

ClinVar aggregate classification (germline): Conflicting classifications of pathogenicity. Review status: criteria provided, conflicting classifications (1 of 4 stars). 4 submissions from 4 submitters: Uncertain significance (3); Likely benign (1). Last evaluated 2026-04-24.

Conditions:
Pyruvate carboxylase deficiency. Also called: PC DEFICIENCY; LEIGH NECROTIZING ENCEPHALOPATHY DUE TO PYRUVATE CARBOXYLASE DEFICIENCY; LEIGH SYNDROME DUE TO PYRUVATE CARBOXYLASE DEFICIENCY; ATAXIA WITH LACTIC ACIDOSIS II; Pyruvate Carboxylase Deficiency Disease. Identifiers: Orphanet 3008, MedGen C0034341, MONDO:0009949, OMIM 266150.

Allele frequency attached by ClinVar (database versions not stated): 1000 Genomes Project 30x 0.00016; gnomAD exomes 0.00032 and 0.00021; TOPMed 0.00011; 1000 Genomes Project 0.00020; ESP Exome Variant Server 0.00031; gnomAD 0.00014 and 0.00016.
gnomAD v4.1: 330 of 1,614,106 alleles (0.02%); highest among the groups gnomAD compares: Middle Eastern, 0.16%; 2 homozygotes.

Submissions (4):

GeneDx
Classification: Uncertain significance. Last evaluated: 2026-04-24. Review status: criteria provided, single submitter. Criteria: GeneDx Variant Classification Process June 2021. Collection method: clinical testing. Allele origin: germline.
Comment: In silico analysis supports that this missense variant has a deleterious effect on protein structure/function; Has not been previously published as pathogenic or benign to our knowledge

Labcorp Genetics (formerly Invitae), Labcorp
Classification: Likely benign for Pyruvate carboxylase deficiency. Last evaluated: 2026-01-28. Review status: criteria provided, single submitter. Criteria: Invitae Variant Classification Sherloc (09022015). Collection method: clinical testing. Allele origin: germline.

Fulgent Genetics
Classification: Uncertain significance for Pyruvate carboxylase deficiency. Last evaluated: 2021-07-16. Review status: criteria provided, single submitter. Criteria: ACMG Guidelines, 2015. Collection method: clinical testing. Allele origin: unknown.

Illumina Laboratory Services, Illumina
Classification: Uncertain significance for Pyruvate carboxylase deficiency. Last evaluated: 2018-01-13. Review status: criteria provided, single submitter. Criteria: ICSL Variant Classification Criteria 13 December 2019. Collection method: clinical testing. Allele origin: germline.

NM_001040716.2(PC):c.3341C>T (p.Ala1114Val)

Gene: PC (pyruvate carboxylase; minus strand). Cytogenetic location: 11q13.2.
Variant type: single nucleotide variant.
Coding change: c.3341C>T on transcript NM_001040716.2 (MANE Select); coding-DNA position 3341, C replaced by T.
Protein change: p.Ala1114Val; replaces alanine 1114 with valine.
Molecular consequence: missense variant.
Genome position (GRCh38, 1-based): chr11:66,849,095, G>A on the plus strand (C>T on the coding strand, the complement: PC is on the minus strand). VCF-style: chr11-66849095-G-A. GRCh37 (hg19) VCF-style: chr11-66616566-G-A.
Other names: c.3341C>T, p.Ala1114Val (NM_000920.4, NM_022172.3); short protein forms A1114V.
Identifiers: ClinVar variation 305617 (VCV000305617.12), dbSNP rs148492494, ClinGen allele CA6130812.